The following is an entry in ClinVar:

NM_005097.4(LGI1):c.1279C>A (p.Pro427Thr)

Gene: LGI1 (leucine rich glioma inactivated 1; plus strand). Cytogenetic location: 10q23.33.
Variant type: single nucleotide variant.
Coding change: c.1279C>A on transcript NM_005097.4 (MANE Select); coding-DNA position 1279, C replaced by A.
Protein change: p.Pro427Thr; replaces proline 427 with threonine.
Molecular consequence: missense variant. On other transcripts: non-coding transcript variant (1), intron variant (1).
Genome position (GRCh38, 1-based): chr10:93,797,408, C>A. VCF-style: chr10-93797408-C-A. GRCh37 (hg19) VCF-style: chr10-95557165-C-A.
Other names: c.1135C>A, p.Pro379Thr (NM_001308276.2); c.839-341C>A (NM_001308275.2); short protein forms P379T, P427T.
Identifiers: ClinVar variation 1054638 (VCV001054638.10), dbSNP rs2134026723, ClinGen allele CA377628831.

ClinVar aggregate classification (germline): Uncertain significance (1 of 4 stars; one submission).

Conditions:
Autosomal dominant epilepsy with auditory features. Identifiers: Orphanet 101046, MedGen C1838062, MONDO:0010898.

Allele frequency attached by ClinVar (database versions not stated): gnomAD exomes below 0.00001.

Submission:

Labcorp Genetics (formerly Invitae), Labcorp
Classification: Uncertain significance for Autosomal dominant epilepsy with auditory features. Last evaluated: 2022-01-06. Review status: criteria provided, single submitter. Criteria: Invitae Variant Classification Sherloc (09022015). Collection method: clinical testing. Allele origin: germline.
Comment: This sequence change replaces proline, which is neutral and non-polar, with threonine, which is neutral and polar, at codon 427 of the LGI1 protein (p.Pro427Thr). In summary, the available evidence is currently insufficient to determine the role of this variant in disease. Therefore, it has been classified as a Variant of Uncertain Significance. Algorithms developed to predict the effect of missense changes on protein structure and function (SIFT, PolyPhen-2, Align-GVGD) all suggest that this variant is likely to be tolerated. ClinVar contains an entry for this variant (Variation ID: 1054638). This variant has not been reported in the literature in individuals affected with LGI1-related conditions. This variant is not present in population databases (gnomAD no frequency).